The following is an entry in ClinVar:

NM_003743.5(NCOA1):c.2917T>G (p.Phe973Val)

Gene: NCOA1 (nuclear receptor coactivator 1; plus strand). Cytogenetic location: 2p23.3.
Variant type: single nucleotide variant.
Coding change: c.2917T>G on transcript NM_003743.5 (MANE Select); coding-DNA position 2917, T replaced by G.
Protein change: p.Phe973Val; replaces phenylalanine 973 with valine.
Molecular consequence: missense variant.
Genome position (GRCh38, 1-based): chr2:24,729,531, T>G. VCF-style: chr2-24729531-T-G. GRCh37 (hg19) VCF-style: chr2-24952400-T-G.
Other names: c.2917T>G, p.Phe973Val (NM_001362950.1, NM_001362952.1, NM_001362954.1 and 3 more transcripts); short protein forms F973V.
Identifiers: ClinVar variation 4117797 (VCV004117797.2).

ClinVar aggregate classification (germline): Uncertain significance. Review status: criteria provided, multiple submitters, no conflicts (2 of 4 stars). 2 submissions from 2 submitters: Uncertain significance (2). Last evaluated 2025-06-23.

Conditions:
NCOA1-related disorder. Also called: NCOA1-related condition.

gnomAD v4.1: 6 of 1,613,942 alleles (0.00037%); highest among the groups gnomAD compares: African/African-American, 0.008%; no homozygotes.

Submissions (2):

Ambry Genetics
Classification: Uncertain significance. Last evaluated: 2025-06-23. Review status: criteria provided, single submitter. Criteria: Ambry Variant Classification Scheme 2023. Collection method: clinical testing. Allele origin: germline.

PreventionGenetics, part of Exact Sciences
Classification: Uncertain significance for NCOA1-related condition. Last evaluated: 2025-05-19. Review status: criteria provided, single submitter. Criteria: ACMG Guidelines, 2015. Collection method: clinical testing. Allele origin: germline.
Comment: The NCOA1 c.2917T>G variant is predicted to result in the amino acid substitution p.Phe973Val. To our knowledge, this variant has not been reported in the literature. This variant is reported in 0.012% of alleles in individuals of African descent in gnomAD. At this time, the clinical significance of this variant is uncertain due to the absence of conclusive functional and genetic evidence.